The following is an entry in ClinVar:

ClinVar aggregate classification (germline): Uncertain significance (1 of 4 stars; one submission).

Conditions:
Aortic aneurysm, familial thoracic 4 (AAT4). Also called: AORTIC ANEURYSM/AORTIC DISSECTION AND PATENT DUCTUS ARTERIOSUS. Identifiers: MedGen C1851504, MONDO:0007568, OMIM 132900.

Submission:

Labcorp Genetics (formerly Invitae), Labcorp
Classification: Uncertain significance for Aortic aneurysm, familial thoracic 4. Last evaluated: 2023-09-28. Review status: criteria provided, single submitter. Criteria: Invitae Variant Classification Sherloc (09022015). Collection method: clinical testing. Allele origin: germline.
Comment: This sequence change replaces lysine, which is basic and polar, with glutamic acid, which is acidic and polar, at codon 1254 of the MYH11 protein (p.Lys1254Glu). This variant is not present in population databases (gnomAD no frequency). In summary, the available evidence is currently insufficient to determine the role of this variant in disease. Therefore, it has been classified as a Variant of Uncertain Significance. Advanced modeling of protein sequence and biophysical properties (such as structural, functional, and spatial information, amino acid conservation, physicochemical variation, residue mobility, and thermodynamic stability) performed at Invitae indicates that this missense variant is not expected to disrupt MYH11 protein function. This variant has not been reported in the literature in individuals affected with MYH11-related conditions.

NM_002474.3(MYH11):c.3739A>G (p.Lys1247Glu)

Gene: MYH11 (myosin heavy chain 11; minus strand). Cytogenetic location: 16p13.11.
Variant type: single nucleotide variant.
Coding change: c.3739A>G on transcript NM_002474.3 (MANE Select); coding-DNA position 3739, A replaced by G.
Protein change: p.Lys1247Glu; replaces lysine 1247 with glutamic acid.
Molecular consequence: missense variant.
Genome position (GRCh38, 1-based): chr16:15,726,967, T>C on the plus strand (A>G on the coding strand, the complement: MYH11 is on the minus strand). VCF-style: chr16-15726967-T-C. GRCh37 (hg19) VCF-style: chr16-15820824-T-C.
Other names: c.3760A>G, p.Lys1254Glu (NM_001040113.2, NM_001040114.2); c.3739A>G, p.Lys1247Glu (NM_022844.3); short protein forms K1247E, K1254E.
Identifiers: ClinVar variation 2764013 (VCV002764013.3), dbSNP rs2506156190, ClinGen allele CA394860169.